The following is an entry in ClinVar:

NM_004463.3(FGD1):c.714C>T (p.Pro238=)

Gene: FGD1 (FYVE, RhoGEF and PH domain containing 1; minus strand). Cytogenetic location: Xp11.22.
Variant type: single nucleotide variant.
Coding change: c.714C>T on transcript NM_004463.3 (MANE Select); coding-DNA position 714, C replaced by T.
Protein change: p.Pro238=; no amino-acid change (proline 238 retained).
Molecular consequence: synonymous variant.
Genome position (GRCh38, 1-based): chrX:54,470,403, G>A on the plus strand (C>T on the coding strand, the complement: FGD1 is on the minus strand). VCF-style: chrX-54470403-G-A. GRCh37 (hg19) VCF-style: chrX-54496836-G-A.
Identifiers: ClinVar variation 594201 (VCV000594201.27), dbSNP rs747008412, ClinGen allele CA10425222.

ClinVar aggregate classification (germline): Conflicting classifications of pathogenicity. Review status: criteria provided, conflicting classifications (1 of 4 stars). 2 submissions from 2 submitters: Uncertain significance (1); Likely benign (1). Last evaluated 2024-01-01.

Allele frequency attached by ClinVar (database versions not stated): gnomAD exomes 0.00001 and 0.00002; ExAC 0.00003; gnomAD 0.00001.
gnomAD v4.1: 10 of 1,207,657 alleles (0.00083%); highest among the groups gnomAD compares: Non-Finnish European, 0.001%; no homozygotes.

Submissions (2):

CeGaT Center for Human Genetics Tuebingen
Classification: Likely benign. Last evaluated: 2024-01-01. Review status: criteria provided, single submitter. Criteria: CeGaT Center For Human Genetics Tuebingen Variant Classification Criteria Version 2. Collection method: clinical testing. Allele origin: germline. Affected: yes. Observed: 1 variant allele.
Comment: FGD1: BP4

Eurofins Ntd Llc (ga)
Classification: Uncertain significance. Last evaluated: 2017-09-25. Review status: criteria provided, single submitter. Criteria: EGL Classification Definitions 2015. Collection method: clinical testing. Allele origin: germline. Observed: 1 variant allele, 1 hemizygote.